The following is an entry in ClinVar:

NM_019055.6(ROBO4):c.2006G>A (p.Arg669Gln)

Gene: ROBO4 (roundabout guidance receptor 4; minus strand). Cytogenetic location: 11q24.2.
Variant type: single nucleotide variant.
Coding change: c.2006G>A on transcript NM_019055.6 (MANE Select); coding-DNA position 2006, G replaced by A.
Protein change: p.Arg669Gln; replaces arginine 669 with glutamine.
Molecular consequence: missense variant.
Genome position (GRCh38, 1-based): chr11:124,887,783, C>T on the plus strand (G>A on the coding strand, the complement: ROBO4 is on the minus strand). VCF-style: chr11-124887783-C-T. GRCh37 (hg19) VCF-style: chr11-124757679-C-T.
Other names: c.1571G>A, p.Arg524Gln (NM_001301088.2); short protein forms R524Q, R669Q.
Identifiers: ClinVar variation 791180 (VCV000791180.8), dbSNP rs4408324, ClinGen allele CA6344737.

ClinVar aggregate classification (germline): Benign. Review status: criteria provided, multiple submitters, no conflicts (2 of 4 stars). 4 submissions from 4 submitters: Benign (3). 1 of the submissions does not count toward it. Last evaluated 2022-12-07.

Conditions:
ROBO4-related disorder. Also called: ROBO4-related condition.
Familial thoracic aortic aneurysm and aortic dissection (TAAD). Also called: Thoracic aortic aneurysms and dissections. Identifiers: Orphanet 91387, MedGen C4707243, MONDO:0019625.

Allele frequency attached by ClinVar (database versions not stated): gnomAD exomes 0.00177 and 0.00492; ExAC 0.00577; gnomAD 0.01781 and 0.01905; ESP Exome Variant Server 0.01892; TOPMed 0.02010; 1000 Genomes Project 0.02057; 1000 Genomes Project 30x 0.02108.
gnomAD v4.1: 5,404 of 1,613,984 alleles (0.33%); highest among the groups gnomAD compares: African/African-American, 6%; 146 homozygotes.

Submissions (4):

CHEO Genetics Diagnostic Laboratory, Children's Hospital of Eastern Ontario
Classification: Benign for Familial thoracic aortic aneurysm and aortic dissection. Last evaluated: 2022-12-07. Review status: criteria provided, single submitter. Criteria: ACMG Guidelines, 2015. Collection method: clinical testing. Allele origin: germline.

Labcorp Genetics (formerly Invitae), Labcorp
Classification: Benign. Last evaluated: 2019-12-31. Review status: criteria provided, single submitter. Criteria: Invitae Variant Classification Sherloc (09022015). Collection method: clinical testing. Allele origin: germline.

Breakthrough Genomics
Classification: Benign. Review status: criteria provided, single submitter. Criteria: ACMG Guidelines, 2015. Collection method: not provided. Allele origin: germline. Inheritance: Autosomal dominant inheritance. Affected: yes.

PreventionGenetics, part of Exact Sciences
Classification: Benign for ROBO4-related condition. Last evaluated: 2019-08-09. Review status: no assertion criteria provided. Collection method: clinical testing. Allele origin: germline. Not counted in ClinVar's aggregate classification.
Comment: This variant is classified as benign based on ACMG/AMP sequence variant interpretation guidelines (Richards et al. 2015 PMID: 25741868, with internal and published modifications).